The following is an entry in ClinVar:

ClinVar aggregate classification (germline): Uncertain significance. Review status: criteria provided, multiple submitters, no conflicts (2 of 4 stars). 2 submissions from 2 submitters: Uncertain significance (2). Last evaluated 2025-12-05.

Conditions:
Bloom syndrome (BLM). Also called: Bloom-Torre-Machacek syndrome. Identifiers: Orphanet 125, MedGen C0005859, MONDO:0008876, OMIM 210900.

gnomAD v4.1: 7 of 1,613,868 alleles (0.00043%); highest among the groups gnomAD compares: Non-Finnish European, 0.00059%; no homozygotes.

Submissions (2):

Women's Health and Genetics/Laboratory Corporation of America, LabCorp
Classification: Uncertain significance. Last evaluated: 2025-12-05. Review status: criteria provided, single submitter. Criteria: LabCorp Variant Classification Summary - May 2015. Collection method: clinical testing. Allele origin: germline.
Comment: Variant summary: BLM c.3548G>A (p.Gly1183Asp) results in a non-conservative amino acid change in the encoded protein sequence. Algorithms developed to predict the effect of missense changes on protein structure and function are either unavailable or do not agree on the potential impact of this missense change. The variant was absent in 251280 control chromosomes. The available data on variant occurrences in the general population are insufficient to allow any conclusion about variant significance. To our knowledge, no occurrence of c.3548G>A in individuals affected with BLM-related conditions and no experimental evidence demonstrating its impact on protein function have been reported. No submitters have cited clinical-significance assessments for this variant to ClinVar. Based on the evidence outlined above, the variant was classified as uncertain significance.

Labcorp Genetics (formerly Invitae), Labcorp
Classification: Uncertain significance for Bloom syndrome. Last evaluated: 2025-02-27. Review status: criteria provided, single submitter. Criteria: Invitae Variant Classification Sherloc (09022015). Collection method: clinical testing. Allele origin: germline.
Comment: This sequence change replaces glycine, which is neutral and non-polar, with aspartic acid, which is acidic and polar, at codon 1183 of the BLM protein (p.Gly1183Asp). This variant is not present in population databases (gnomAD no frequency). This variant has not been reported in the literature in individuals affected with BLM-related conditions. Invitae Evidence Modeling of protein sequence and biophysical properties (such as structural, functional, and spatial information, amino acid conservation, physicochemical variation, residue mobility, and thermodynamic stability) indicates that this missense variant is not expected to disrupt BLM protein function with a negative predictive value of 80%. In summary, the available evidence is currently insufficient to determine the role of this variant in disease. Therefore, it has been classified as a Variant of Uncertain Significance.

NM_000057.4(BLM):c.3548G>A (p.Gly1183Asp)

Gene: BLM (BLM RecQ like helicase; plus strand). Cytogenetic location: 15q26.1.
Variant type: single nucleotide variant.
Coding change: c.3548G>A on transcript NM_000057.4 (MANE Select); coding-DNA position 3548, G replaced by A.
Protein change: p.Gly1183Asp; replaces glycine 1183 with aspartic acid.
Molecular consequence: missense variant. On other transcripts: intron variant (1).
Genome position (GRCh38, 1-based): chr15:90,803,710, G>A. VCF-style: chr15-90803710-G-A. GRCh37 (hg19) VCF-style: chr15-91346940-G-A.
Other names: c.3548G>A, p.Gly1183Asp (NM_001287246.2); c.2423G>A, p.Gly808Asp (NM_001287248.2); c.3358+5373G>A (NM_001287247.2); short protein forms G1183D, G808D.
Identifiers: ClinVar variation 4688525 (VCV004688525.2).